The following is an entry in ClinVar:

ClinVar aggregate classification (germline): Uncertain significance (1 of 4 stars; one submission).

Submission:

Labcorp Genetics (formerly Invitae), Labcorp
Classification: Uncertain significance. Last evaluated: 2021-04-24. Review status: criteria provided, single submitter. Criteria: Invitae Variant Classification Sherloc (09022015). Collection method: clinical testing. Allele origin: germline.
Comment: In summary, the available evidence is currently insufficient to determine the role of this variant in disease. Therefore, it has been classified as a Variant of Uncertain Significance. Algorithms developed to predict the effect of missense changes on protein structure and function (SIFT, PolyPhen-2, Align-GVGD) all suggest that this variant is likely to be disruptive, but these predictions have not been confirmed by published functional studies and their clinical significance is uncertain. This sequence change replaces glutamic acid with alanine at codon 40 of the YWHAG protein (p.Glu40Ala). The glutamic acid residue is highly conserved and there is a moderate physicochemical difference between glutamic acid and alanine. This variant is not present in population databases (ExAC no frequency). This variant has not been reported in the literature in individuals with YWHAG-related conditions.

NM_012479.4(YWHAG):c.119A>C (p.Glu40Ala)

Gene: YWHAG (tyrosine 3-monooxygenase/tryptophan 5-monooxygenase activation protein gamma; minus strand). Cytogenetic location: 7q11.23.
Variant type: single nucleotide variant.
Coding change: c.119A>C on transcript NM_012479.4 (MANE Select); coding-DNA position 119, A replaced by C.
Protein change: p.Glu40Ala; replaces glutamic acid 40 with alanine.
Molecular consequence: missense variant.
Genome position (GRCh38, 1-based): chr7:76,330,202, T>G on the plus strand (A>C on the coding strand, the complement: YWHAG is on the minus strand). VCF-style: chr7-76330202-T-G. GRCh37 (hg19) VCF-style: chr7-75959519-T-G.
Other names: short protein forms E40A.
Identifiers: ClinVar variation 1363008 (VCV001363008.8), dbSNP rs2115589170, ClinGen allele CA367778107.